The following is an entry in ClinVar:

NM_001267550.2(TTN):c.1039C>T (p.Gln347Ter)

Gene: TTN (titin; minus strand). Cytogenetic location: 2q31.2.
Variant type: single nucleotide variant.
Coding change: c.1039C>T on transcript NM_001267550.2 (MANE Select); coding-DNA position 1039, C replaced by T.
Protein change: p.Gln347Ter; replaces glutamine 347 with a stop codon.
Molecular consequence: nonsense.
Genome position (GRCh38, 1-based): chr2:178,795,128, G>A on the plus strand (C>T on the coding strand, the complement: TTN is on the minus strand). VCF-style: chr2-178795128-G-A. GRCh37 (hg19) VCF-style: chr2-179659855-G-A.
Other names: c.1039C>T, p.Gln347Ter (NM_001256850.1, NM_003319.4, NM_133378.4 and 3 more transcripts); short protein forms Q347*.
Identifiers: ClinVar variation 582283 (VCV000582283.9), dbSNP rs1561470471, ClinGen allele CA349518911.
Genomic context (GRCh38, chr2:178,795,128, plus strand): 5'-AGGTTGTCAGCGTTGTCTCTCTCATCTCAGCCTCAGATGAGGAGGCCACGTAGCCCTCTT[G>A]CTTCCAAGGGGGAGGCACTTCAGGACCTGTGGCCACGGTGGATGCCTGAGTCTTACGCAT-3'

ClinVar aggregate classification (germline): Likely pathogenic (1 of 4 stars; one submission).

Conditions:
Autosomal recessive limb-girdle muscular dystrophy type 2J (LGMDR10). Also called: Limb-girdle muscular dystrophy, type 2J; MUSCULAR DYSTROPHY, LIMB-GIRDLE, AUTOSOMAL RECESSIVE 10. Identifiers: Orphanet 140922, MedGen C1837342, MONDO:0012127, OMIM 608807.
Dilated cardiomyopathy 1G (CMD1G). Identifiers: Orphanet 154, MedGen C1858763, MONDO:0011400, OMIM 604145.

Submission:

Labcorp Genetics (formerly Invitae), Labcorp
Classification: Likely pathogenic for Dilated cardiomyopathy 1G; Autosomal recessive limb-girdle muscular dystrophy type 2J. Last evaluated: 2024-11-04. Review status: criteria provided, single submitter. Criteria: Invitae Variant Classification Sherloc (09022015). Collection method: clinical testing. Allele origin: germline.
Comment: This sequence change creates a premature translational stop signal (p.Gln347*) in the TTN gene. While this is not anticipated to result in nonsense mediated decay, it is expected to create a truncated TTN protein. This variant is not present in population databases (gnomAD no frequency). This variant has not been reported in the literature in individuals affected with TTN-related conditions. ClinVar contains an entry for this variant (Variation ID: 582283). This variant is located in the Z band of TTN (PMID: 25589632). Truncating variants in this region have been reported in individuals affected with autosomal recessive centronuclear myopathy (PMID: 33449170, internal data). Truncating variants in this region have also been identified in individuals affected with autosomal dominant dilated cardiomyopathy and/or cardio-related conditions (PMID: 27869827, 32964742, internal data). In summary, the currently available evidence indicates that the variant is pathogenic, but additional data are needed to prove that conclusively. Therefore, this variant has been classified as Likely Pathogenic.

Literature cited by the submitters: PubMed 25589632; PubMed 33449170; PubMed 27869827; PubMed 32964742.